The following is an entry in ClinVar:

ClinVar aggregate classification (germline): Pathogenic (0 of 4 stars; one submission).

Conditions:
Central core myopathy (CMYO1A). Also called: Central core disease; Myopathy, central fibrillar; CONGENITAL MYOPATHY 1A, AUTOSOMAL DOMINANT, WITH SUSCEPTIBILITY TO MALIGNANT HYPERTHERMIA. Identifiers: Orphanet 597, MedGen C5830701, MONDO:0007294, OMIM 117000.

Submission:

GeneReviews
Classification: Pathogenic for Central Core Disease. Last evaluated: 2010-05-11. Review status: no assertion criteria provided. Collection method: curation. Allele origin: unknown.
ClinVar note: Converted during submission from pathologic to Pathogenic.

p.L4796C

Variant type: protein only.
Identifiers: ClinVar variation 65963 (VCV000065963.2).